The following is an entry in ClinVar:

ClinVar aggregate classification (germline): Benign (0 of 4 stars; one submission).

Conditions:
TRPA1-related disorder. Also called: TRPA1-related condition.

Allele frequency attached by ClinVar (database versions not stated): gnomAD 0.16196; TOPMed 0.16338; ESP Exome Variant Server 0.16608; 1000 Genomes Project 0.19948; 1000 Genomes Project 30x 0.20034.
gnomAD v4.1: 203,681 of 1,613,846 alleles (13%); highest among the groups gnomAD compares: East Asian, 31%; 15,076 homozygotes.

Submission:

PreventionGenetics, part of Exact Sciences
Classification: Benign for TRPA1-related condition. Last evaluated: 2019-11-19. Review status: no assertion criteria provided. Collection method: clinical testing. Allele origin: germline.
Comment: This variant is classified as benign based on ACMG/AMP sequence variant interpretation guidelines (Richards et al. 2015 PMID: 25741868, with internal and published modifications).

NM_007332.3(TRPA1):c.384C>T (p.Asn128=)

Gene: TRPA1 (transient receptor potential cation channel subfamily A member 1; minus strand). Cytogenetic location: 8q21.11.
Variant type: single nucleotide variant.
Coding change: c.384C>T on transcript NM_007332.3 (MANE Select); coding-DNA position 384, C replaced by T.
Protein change: p.Asn128=; no amino-acid change (asparagine 128 retained).
Molecular consequence: synonymous variant.
Genome position (GRCh38, 1-based): chr8:72,069,083, G>A on the plus strand (C>T on the coding strand, the complement: TRPA1 is on the minus strand). VCF-style: chr8-72069083-G-A. GRCh37 (hg19) VCF-style: chr8-72981318-G-A.
Identifiers: ClinVar variation 3058871 (VCV003058871.2), dbSNP rs28546865, ClinGen allele CA4781245.